The following is an entry in ClinVar:

ClinVar aggregate classification (germline): Uncertain significance (1 of 4 stars; one submission).

Conditions:
Ullrich congenital muscular dystrophy 2 (UCMD2). Identifiers: Orphanet 75840, MedGen C4225314, MONDO:0014654, OMIM 616470.
Bethlem myopathy 2 (BTHLM2). Identifiers: Orphanet 536516, Orphanet 610, MedGen C4225313, MONDO:0034022, OMIM 616471.

Submission:

Labcorp Genetics (formerly Invitae), Labcorp
Classification: Uncertain significance for Bethlem myopathy 2; Ullrich congenital muscular dystrophy 2. Last evaluated: 2022-07-26. Review status: criteria provided, single submitter. Criteria: Invitae Variant Classification Sherloc (09022015). Collection method: clinical testing. Allele origin: germline.
Comment: This sequence change replaces valine, which is neutral and non-polar, with isoleucine, which is neutral and non-polar, at codon 1023 of the COL12A1 protein (p.Val1023Ile). This variant is not present in population databases (gnomAD no frequency). This variant has not been reported in the literature in individuals affected with COL12A1-related conditions. Algorithms developed to predict the effect of missense changes on protein structure and function are either unavailable or do not agree on the potential impact of this missense change (SIFT: "Deleterious"; PolyPhen-2: "Benign"; Align-GVGD: "Class C0"). In summary, the available evidence is currently insufficient to determine the role of this variant in disease. Therefore, it has been classified as a Variant of Uncertain Significance.

NM_004370.6(COL12A1):c.3067G>A (p.Val1023Ile)

Gene: COL12A1 (collagen type XII alpha 1 chain; minus strand). Cytogenetic location: 6q13.
Variant type: single nucleotide variant.
Coding change: c.3067G>A on transcript NM_004370.6 (MANE Select); coding-DNA position 3067, G replaced by A.
Protein change: p.Val1023Ile; replaces valine 1023 with isoleucine.
Molecular consequence: missense variant. On other transcripts: intron variant (1).
Genome position (GRCh38, 1-based): chr6:75,156,440, C>T on the plus strand (G>A on the coding strand, the complement: COL12A1 is on the minus strand). VCF-style: chr6-75156440-C-T. GRCh37 (hg19) VCF-style: chr6-75866156-C-T.
Other names: c.74-3958G>A (NM_080645.3); short protein forms V1023I.
Identifiers: ClinVar variation 1985480 (VCV001985480.4), dbSNP rs2533427159, ClinGen allele CA364754460.
Genomic context (GRCh38, chr6:75,156,440, plus strand): 5'-CCTTAGCAACCATTTGCTTCCCTCTCCCATGAGGGCGATAGACAACACGGTAGTTGACGA[C>T]TTTCCCTGGTGCTGGTTTCCATGTAACTCTCATTGTGTTTTCTGTTTCTTCATCTACTTT-3'
Protein context (NP_004361.3, residues 1013-1033): RVTWKPAPGK[Val1023Ile]VNYRVVYRPH